The following is an entry in ClinVar:

NM_000059.4(BRCA2):c.209C>T (p.Ser70Phe)

Gene: BRCA2 (BRCA2 DNA repair associated; plus strand). Cytogenetic location: 13q13.1.
Variant type: single nucleotide variant.
Coding change: c.209C>T on transcript NM_000059.4 (MANE Select); coding-DNA position 209, C replaced by T.
Protein change: p.Ser70Phe; replaces serine 70 with phenylalanine.
Molecular consequence: missense variant.
Genome position (GRCh38, 1-based): chr13:32,319,218, C>T. VCF-style: chr13-32319218-C-T. GRCh37 (hg19) VCF-style: chr13-32893355-C-T.
Other names: c.209C>T, p.Ser70Phe (NM_001406719.1, NM_001406720.1, NM_001406721.1); c.-161C>T (NM_001406722.1); short protein forms S70F.
Identifiers: ClinVar variation 1785860 (VCV001785860.9), dbSNP rs376931156, ClinGen allele CA6940330.

ClinVar aggregate classification (germline): Conflicting classifications of pathogenicity. Review status: criteria provided, conflicting classifications (1 of 4 stars). 3 submissions from 3 submitters: Uncertain significance (2); Likely benign (1). Last evaluated 2025-05-01.

Conditions:
Hereditary cancer-predisposing syndrome. Also called: Neoplastic Syndromes, Hereditary; Tumor predisposition; Hereditary Cancer Syndrome; Hereditary neoplastic syndrome. Identifiers: Orphanet 140162, MedGen C0027672, MeSH D009386, MONDO:0015356.
Hereditary breast ovarian cancer syndrome. Also called: Hereditary breast and ovarian cancer; Hereditary breast and ovarian cancer syndrome (HBOC); Hereditary breast and ovarian cancer syndrome; Breast and ovarian cancer; Hereditary breast and/or ovarian cancer syndrome; BRCA1- and BRCA2-Associated Hereditary Breast and Ovarian Cancer. Identifiers: Orphanet 145, MedGen C0677776, MeSH D061325, MONDO:0003582. Disease mechanism: loss of function.

Allele frequency attached by ClinVar (database versions not stated): gnomAD exomes below 0.00001; ExAC 0.00001; gnomAD 0.00001; TOPMed 0.00001; ESP Exome Variant Server 0.00008.
gnomAD v4.1: 4 of 1,613,754 alleles (0.00025%); highest among the groups gnomAD compares: Non-Finnish European, 0.00034%; no homozygotes.

Submissions (3):

Ambry Genetics
Classification: Likely benign for Hereditary cancer-predisposing syndrome. Last evaluated: 2025-05-01. Review status: criteria provided, single submitter. Criteria: Ambry Variant Classification Scheme 2023. Collection method: clinical testing. Allele origin: germline.

Color Diagnostics, LLC DBA Color Health
Classification: Uncertain significance for Hereditary cancer-predisposing syndrome. Last evaluated: 2024-04-08. Review status: criteria provided, single submitter. Criteria: ACMG Guidelines, 2015. Collection method: clinical testing. Allele origin: germline.
Comment: This missense variant replaces serine with phenylalanine at codon 70 of the BRCA2 protein. Computational prediction suggests that this variant may not impact protein structure and function. To our knowledge, functional studies have not been reported for this variant. This variant has been reported in individuals with a personal or family history of breast and/or ovarian cancer (PMID: 28324225, 33471991; Leiden Open Variation Database DB-ID BRCA2_001922). This variant has not been identified in the general population by the Genome Aggregation Database (gnomAD). The available evidence is insufficient to determine the role of this variant in disease conclusively. Therefore, this variant is classified as a Variant of Uncertain Significance.

Labcorp Genetics (formerly Invitae), Labcorp
Classification: Uncertain significance for Hereditary breast ovarian cancer syndrome. Last evaluated: 2022-03-26. Review status: criteria provided, single submitter. Criteria: Invitae Variant Classification Sherloc (09022015). Collection method: clinical testing. Allele origin: germline.
Comment: In summary, the available evidence is currently insufficient to determine the role of this variant in disease. Therefore, it has been classified as a Variant of Uncertain Significance. Advanced modeling of protein sequence and biophysical properties (such as structural, functional, and spatial information, amino acid conservation, physicochemical variation, residue mobility, and thermodynamic stability) performed at Invitae indicates that this missense variant is not expected to disrupt BRCA2 protein function. This missense change has been observed in individual(s) with clinical features of hereditary breast and ovarian cancer syndrome (PMID: 28324225). This variant is present in population databases (rs376931156, gnomAD 0.0009%). This sequence change replaces serine, which is neutral and polar, with phenylalanine, which is neutral and non-polar, at codon 70 of the BRCA2 protein (p.Ser70Phe).

Literature cited by the submitters: PubMed 28324225 (cited by 3 submitters); PubMed 33471991 (cited by Color Diagnostics, LLC DBA Color Health).